The following is an entry in ClinVar:

ClinVar aggregate classification (germline): Pathogenic (1 of 4 stars; one submission).

Conditions:
Dyskeratosis congenita, autosomal dominant 1 (DKCA1). Also called: Dyskeratosis congenita Scoggins type. Identifiers: Orphanet 1775, MedGen C4551974, MONDO:0007485, OMIM 127550. Inheritance: Variable.

Submission:

Labcorp Genetics (formerly Invitae), Labcorp
Classification: Pathogenic for Dyskeratosis congenita, autosomal dominant 1. Last evaluated: 2020-04-20. Review status: criteria provided, single submitter. Criteria: Invitae Variant Classification Sherloc (09022015). Collection method: clinical testing. Allele origin: germline.
Comment: For these reasons, this variant has been classified as Pathogenic. This variant is located within the template/pseudoknot domain of the TERC RNA component, which is required for RNA or RNP stability (PMID: 15082312, 21844345). A significant number of previously reported TERC variants are found in this region (PMID: 21931702). Functional studies testing a different change (n.67G>A) have shown reduced telomerase activity (PMID: 21931702). This variant has been observed in a family with clinical features of dyskeratosis congenita (Invitae). In at least one individual the variant was observed to be de novo. This variant is not present in population databases (ExAC no frequency). This variant occurs in the TERC gene, which encodes an RNA molecule that does not result in a protein product.

Literature cited by the submitters: PubMed 15082312; PubMed 21844345; PubMed 21931702.

NC_000003.12:g.169764994del

Genes: TERC (telomerase RNA component; minus strand), LOC110806306 (telomerase RNA component (TERC) promoter; plus strand). Cytogenetic location: 3q26.2.
Variant type: Deletion.
Genome position: GRCh38 VCF-style: chr3-169764993-AC-A. GRCh37 (hg19) VCF-style: chr3-169482781-AC-A.
Identifiers: ClinVar variation 950972 (VCV000950972.10), dbSNP rs1777964165, ClinGen allele CA1139658330.